The following is an entry in ClinVar:

NM_006642.5(SDCCAG8):c.10T>C (p.Ser4Pro)

Gene: SDCCAG8 (SHH signaling and ciliogenesis regulator SDCCAG8; plus strand). Cytogenetic location: 1q43.
Variant type: single nucleotide variant.
Coding change: c.10T>C on transcript NM_006642.5 (MANE Select); coding-DNA position 10, T replaced by C.
Protein change: p.Ser4Pro; replaces serine 4 with proline.
Molecular consequence: missense variant. On other transcripts: 5 prime UTR variant (4).
Genome position (GRCh38, 1-based): chr1:243,256,183, T>C. VCF-style: chr1-243256183-T-C. GRCh37 (hg19) VCF-style: chr1-243419485-T-C.
Other names: c.-1103T>C (NM_001350246.2); c.-991T>C (NM_001350247.2); c.10T>C, p.Ser4Pro (NM_001350248.2); c.-298T>C (NM_001350249.2); c.-1364T>C (NM_001350251.2); short protein forms S4P.
Identifiers: ClinVar variation 3347615 (VCV003347615.2).

ClinVar aggregate classification (germline): Uncertain significance (1 of 4 stars; one submission).

Conditions:
SDCCAG8-related disorder. Also called: SDCCAG8-Related Disorders; SDCCAG8-related condition.

Submission:

PreventionGenetics, part of Exact Sciences
Classification: Uncertain significance for SDCCAG8-related condition. Last evaluated: 2026-04-14. Review status: criteria provided, single submitter. Criteria: ACMG Guidelines, 2015. Collection method: clinical testing. Allele origin: germline.
Comment: The SDCCAG8 c.10T>C variant is predicted to result in the amino acid substitution p.Ser4Pro. To our knowledge, this variant has not been reported in the literature or in a large population database (gnomAD), indicating this variant is rare. At this time, the clinical significance of this variant is uncertain due to the absence of conclusive functional and genetic evidence.